The following is an entry in ClinVar:

ClinVar aggregate classification (germline): Uncertain significance (1 of 4 stars; one submission).

Conditions:
Sphingolipid activator protein 1 deficiency. Also called: METACHROMATIC LEUKODYSTROPHY DUE TO CEREBROSIDE SULFATASE ACTIVATOR DEFICIENCY; Metachromatic leukodystrophy due to saposin B deficiency; Saposin B Deficiency. Identifiers: Orphanet 512, MedGen C0268262, MONDO:0009590, OMIM 249900.

Submission:

Labcorp Genetics (formerly Invitae), Labcorp
Classification: Uncertain significance for Sphingolipid activator protein 1 deficiency. Last evaluated: 2022-11-01. Review status: criteria provided, single submitter. Criteria: Invitae Variant Classification Sherloc (09022015). Collection method: clinical testing. Allele origin: germline.
Comment: This variant is not present in population databases (gnomAD no frequency). This variant has not been reported in the literature in individuals affected with PSAP-related conditions. Advanced modeling of protein sequence and biophysical properties (such as structural, functional, and spatial information, amino acid conservation, physicochemical variation, residue mobility, and thermodynamic stability) performed at Invitae indicates that this missense variant is not expected to disrupt PSAP protein function. In summary, the available evidence is currently insufficient to determine the role of this variant in disease. Therefore, it has been classified as a Variant of Uncertain Significance. This sequence change replaces isoleucine, which is neutral and non-polar, with threonine, which is neutral and polar, at codon 496 of the PSAP protein (p.Ile496Thr).

NM_002778.4(PSAP):c.1487T>C (p.Ile496Thr)

Gene: PSAP (prosaposin; minus strand). Cytogenetic location: 10q22.1.
Variant type: single nucleotide variant.
Coding change: c.1487T>C on transcript NM_002778.4 (MANE Select); coding-DNA position 1487, T replaced by C.
Protein change: p.Ile496Thr; replaces isoleucine 496 with threonine.
Molecular consequence: missense variant.
Genome position (GRCh38, 1-based): chr10:71,818,669, A>G on the plus strand (T>C on the coding strand, the complement: PSAP is on the minus strand). VCF-style: chr10-71818669-A-G. GRCh37 (hg19) VCF-style: chr10-73578426-A-G.
Other names: c.1496T>C, p.Ile499Thr (NM_001042465.3); c.1493T>C, p.Ile498Thr (NM_001042466.3); short protein forms I496T, I498T, I499T.
Identifiers: ClinVar variation 1944260 (VCV001944260.5), dbSNP rs2494492584, ClinGen allele CA377141130.